The following is an entry in ClinVar:

ClinVar aggregate classification (germline): Likely benign. Review status: criteria provided, multiple submitters, no conflicts (2 of 4 stars). 3 submissions from 3 submitters: Likely benign (3). Last evaluated 2025-05-05.

Conditions:
Baller-Gerold syndrome (BGS). Also called: CRANIOSYNOSTOSIS WITH RADIAL DEFECTS. Identifiers: Orphanet 1225, MedGen C0265308, MONDO:0009039, OMIM 218600.

Allele frequency attached by ClinVar (database versions not stated): gnomAD 0.00001 and 0.00002; ExAC 0.00002; gnomAD exomes 0.00002; TOPMed 0.00002; 1000 Genomes Project 30x 0.00016; 1000 Genomes Project 0.00020.

Submissions (3):

Labcorp Genetics (formerly Invitae), Labcorp
Classification: Likely benign for Baller-Gerold syndrome. Last evaluated: 2025-05-05. Review status: criteria provided, single submitter. Criteria: Invitae Variant Classification Sherloc (09022015). Collection method: clinical testing. Allele origin: germline.

CeGaT Center for Human Genetics Tuebingen
Classification: Likely benign. Last evaluated: 2024-01-01. Review status: criteria provided, single submitter. Criteria: CeGaT Center For Human Genetics Tuebingen Variant Classification Criteria Version 2. Collection method: clinical testing. Allele origin: germline. Affected: yes. Observed: 1 variant allele.
Comment: RECQL4: BP4, BP7

Blueprint Genetics
Classification: Likely benign. Last evaluated: 2020-02-14. Review status: criteria provided, single submitter. Criteria: ACMG Guidelines, 2015. Collection method: clinical testing. Allele origin: germline.

NM_004260.4(RECQL4):c.3348G>A (p.Pro1116=)

Gene: RECQL4 (RecQ like helicase 4; minus strand). Cytogenetic location: 8q24.3.
Variant type: single nucleotide variant.
Coding change: c.3348G>A on transcript NM_004260.4 (MANE Select); coding-DNA position 3348, G replaced by A.
Protein change: p.Pro1116=; no amino-acid change (proline 1116 retained).
Molecular consequence: synonymous variant.
Genome position (GRCh38, 1-based): chr8:144,511,956, C>T on the plus strand (G>A on the coding strand, the complement: RECQL4 is on the minus strand). VCF-style: chr8-144511956-C-T. GRCh37 (hg19) VCF-style: chr8-145737339-C-T.
Identifiers: ClinVar variation 529085 (VCV000529085.34), dbSNP rs368712314, ClinGen allele CA4947809.